The following is an entry in ClinVar:

ClinVar aggregate classification (germline): Uncertain significance (1 of 4 stars; one submission).

Submission:

CeGaT Center for Human Genetics Tuebingen
Classification: Uncertain significance. Last evaluated: 2026-04-01. Review status: criteria provided, single submitter. Criteria: CeGaT Center For Human Genetics Tuebingen Variant Classification Criteria Version 2. Collection method: clinical testing. Allele origin: germline. Affected: yes. Observed: 1 variant allele.
Comment: ITPR3: PM2

NM_002224.4(ITPR3):c.5414C>T (p.Ala1805Val)

Gene: ITPR3 (inositol 1,4,5-trisphosphate receptor type 3; plus strand). Cytogenetic location: 6p21.31.
Variant type: single nucleotide variant.
Coding change: c.5414C>T on transcript NM_002224.4 (MANE Select); coding-DNA position 5414, C replaced by T.
Protein change: p.Ala1805Val; replaces alanine 1805 with valine.
Molecular consequence: missense variant.
Genome position (GRCh38, 1-based): chr6:33,685,465, C>T. VCF-style: chr6-33685465-C-T. GRCh37 (hg19) VCF-style: chr6-33653242-C-T.
Other names: short protein forms A1805V.
Identifiers: ClinVar variation 4874770 (VCV004874770.2).